The following is an entry in ClinVar:

NM_006947.4(SRP72):c.1264A>C (p.Ile422Leu)

Gene: SRP72 (signal recognition particle 72; plus strand). Cytogenetic location: 4q12.
Variant type: single nucleotide variant.
Coding change: c.1264A>C on transcript NM_006947.4 (MANE Select); coding-DNA position 1264, A replaced by C.
Protein change: p.Ile422Leu; replaces isoleucine 422 with leucine.
Molecular consequence: missense variant. On other transcripts: non-coding transcript variant (1).
Genome position (GRCh38, 1-based): chr4:56,489,427, A>C. VCF-style: chr4-56489427-A-C. GRCh37 (hg19) VCF-style: chr4-57355593-A-C.
Other names: c.1081A>C, p.Ile361Leu (NM_001267722.2); short protein forms I361L, I422L.
Identifiers: ClinVar variation 5030218 (VCV005030218.1).
Genomic context (GRCh38, chr4:56,489,427, plus strand): 5'-TTTATACCTTTGGCTGTGTAGGTATCTGCATTAGTTACCATGTATAGCCATGAAGAAGAT[A>C]TTGATAGTGCCATTGAGGTCTTCACACAAGCTATCCAGTGGTATCAAAACCATCAGGTAA-3'
Protein context (NP_008878.3, residues 412-432): LVTMYSHEED[Ile422Leu]DSAIEVFTQA

ClinVar aggregate classification (germline): Uncertain significance (1 of 4 stars; one submission).

Submission:

Ambry Genetics
Classification: Uncertain significance. Last evaluated: 2026-06-24. Review status: criteria provided, single submitter. Criteria: Ambry Variant Classification Scheme 2023. Collection method: clinical testing. Allele origin: germline.
Comment: The p.I422L variant (also known as c.1264A>C), located in coding exon 13 of the SRP72 gene, results from an A to C substitution at nucleotide position 1264. The isoleucine at codon 422 is replaced by leucine, an amino acid with highly similar properties. This amino acid position is conserved. In addition, the in silico prediction for this alteration is inconclusive. Based on the available evidence, the clinical significance of this variant remains unclear.